The following is an entry in ClinVar:

NM_000257.4(MYH7):c.2217G>T (p.Arg739Ser)

Gene: MYH7 (myosin heavy chain 7; minus strand). Cytogenetic location: 14q11.2.
Variant type: single nucleotide variant.
Coding change: c.2217G>T on transcript NM_000257.4 (MANE Select); coding-DNA position 2217, G replaced by T.
Protein change: p.Arg739Ser; replaces arginine 739 with serine.
Molecular consequence: missense variant.
Genome position (GRCh38, 1-based): chr14:23,425,764, C>A on the plus strand (G>T on the coding strand, the complement: MYH7 is on the minus strand). VCF-style: chr14-23425764-C-A. GRCh37 (hg19) VCF-style: chr14-23894973-C-A.
Other names: short protein forms R739S.
Identifiers: ClinVar variation 177975 (VCV000177975.4), dbSNP rs727504429, ClinGen allele CA011985.
Genomic context (GRCh38, chr14:23,425,764, plus strand): 5'-GCCAAACTTGTACTGGTTGTGATCAATGTCCAGGGAGCTGAGCAGCTTCTCTGCCCCCTT[C>A]CTGCTATCAATGAACTGTCCCTCAGGGATGGCCGCTGGGTTCAGGATGCGATACCTGAGG-3'
Protein context (NP_000248.2, residues 729-749): AIPEGQFIDS[Arg739Ser]KGAEKLLSSL

ClinVar aggregate classification (germline): Uncertain significance (1 of 4 stars; one submission).

Submission:

Laboratory for Molecular Medicine, Mass General Brigham Personalized Medicine
Classification: Uncertain significance. Last evaluated: 2014-03-07. Review status: criteria provided, single submitter. Criteria: LMM Criteria. Collection method: clinical testing. Allele origin: germline. Observed: 1 variant allele.
Comment: proposed classification - variant undergoing re-assessment, contact laboratory